The following is an entry in ClinVar:

NM_177972.3(TUB):c.414A>G (p.Ala138=)

Genes: RIC3 (RIC3 acetylcholine receptor chaperone; minus strand), TUB (TUB bipartite transcription factor; plus strand). Cytogenetic location: 11p15.4.
Variant type: single nucleotide variant.
Coding change: c.414A>G on transcript NM_177972.3 (MANE Select); coding-DNA position 414, A replaced by G.
Protein change: p.Ala138=; no amino-acid change (alanine 138 retained).
Molecular consequence: synonymous variant.
Genome position (GRCh38, 1-based): chr11:8,095,514, A>G. VCF-style: chr11-8095514-A-G. GRCh37 (hg19) VCF-style: chr11-8117061-A-G.
Other names: c.579A>G (NM_003320.4); c.579A>G, p.Ala193= (NM_003320.5).
Identifiers: ClinVar variation 2957140 (VCV002957140.4), dbSNP rs772908682, ClinGen allele CA5871097.

ClinVar aggregate classification (germline): Likely benign. Review status: criteria provided, multiple submitters, no conflicts (2 of 4 stars). 2 submissions from 2 submitters: Likely benign (2). Last evaluated 2025-01-04.

Conditions:
TUB-related disorder. Also called: TUB-related condition.

Allele frequency attached by ClinVar (database versions not stated): ExAC 0.00001; gnomAD 0.00001; TOPMed 0.00001.
gnomAD v4.1: 1 of 1,610,606 alleles (0.000062%); highest among the groups gnomAD compares: African/African-American, 0.0013%; no homozygotes.

Submissions (2):

PreventionGenetics, part of Exact Sciences
Classification: Likely benign for TUB-related condition. Last evaluated: 2025-01-04. Review status: criteria provided, single submitter. Criteria: ACMG Guidelines, 2015. Collection method: clinical testing. Allele origin: germline.
Comment: This variant is classified as likely benign based on ACMG/AMP sequence variant interpretation guidelines (Richards et al. 2015 PMID: 25741868, with internal and published modifications).

Labcorp Genetics (formerly Invitae), Labcorp
Classification: Likely benign. Last evaluated: 2023-02-28. Review status: criteria provided, single submitter. Criteria: Invitae Variant Classification Sherloc (09022015). Collection method: clinical testing. Allele origin: germline.